The following is an entry in ClinVar:

NM_018325.5(C9orf72):c.*1469T>A

Gene: C9orf72 (C9orf72-SMCR8 complex subunit; minus strand). Cytogenetic location: 9p21.2.
Variant type: single nucleotide variant.
Coding change: c.*1469T>A on transcript NM_018325.5 (MANE Select); 1469 bases downstream of the stop codon, T replaced by A.
Molecular consequence: 3 prime UTR variant.
Genome position (GRCh38, 1-based): chr9:27,546,767, A>T on the plus strand (T>A on the coding strand, the complement: C9orf72 is on the minus strand). VCF-style: chr9-27546767-A-T. GRCh37 (hg19) VCF-style: chr9-27546765-A-T.
Other names: c.*1469T>A (NM_001256054.3).
Identifiers: ClinVar variation 366484 (VCV000366484.5), dbSNP rs141012074, ClinGen allele CA10633421.

ClinVar aggregate classification (germline): Benign (1 of 4 stars; one submission).

Conditions:
Frontotemporal dementia and/or amyotrophic lateral sclerosis 1 (FTDALS1). Also called: Frontotemporal dementia with motor neuron disease 1; C9orf72 Frontotemporal Dementia and/or Amyotrophic Lateral Sclerosis. Identifiers: Orphanet 275872, MedGen C5779877, MONDO:0007105, OMIM 105550.

Allele frequency attached by ClinVar (database versions not stated): 1000 Genomes Project 30x 0.00422; TOPMed 0.00445; 1000 Genomes Project 0.00459; gnomAD 0.00519.

Submission:

Illumina Laboratory Services, Illumina
Classification: Benign for Frontotemporal dementia and/or amyotrophic lateral sclerosis 1. Last evaluated: 2018-01-13. Review status: criteria provided, single submitter. Criteria: ICSL Variant Classification Criteria 13 December 2019. Collection method: clinical testing. Allele origin: germline.
Comment: This variant was observed in the ICSL laboratory as part of a predisposition screen in an ostensibly healthy population. It had not been previously curated by ICSL or reported in the Human Gene Mutation Database (HGMD: prior to June 1st, 2018), and was therefore a candidate for classification through an automated scoring system. Utilizing variant allele frequency, disease prevalence and penetrance estimates, and inheritance mode, an automated score was calculated to assess if this variant is too frequent to cause the disease. Based on the score and internal cut-off values, a variant classified as benign is not then subjected to further curation. The score for this variant resulted in a classification of benign for this disease.